The following is an entry in ClinVar:

ClinVar aggregate classification (germline): Uncertain significance. Review status: criteria provided, multiple submitters, no conflicts (2 of 4 stars). 5 submissions from 5 submitters: Uncertain significance (5). Last evaluated 2025-05-14.

Conditions:
Inborn genetic diseases. Identifiers: MedGen C0950123, MeSH D030342.
Hypophosphatemic rickets, autosomal recessive, 1 (ARHR1). Also called: HYPOPHOSPHATEMIA, AUTOSOMAL RECESSIVE. Identifiers: Orphanet 289176, MedGen C4551495, MONDO:0009430, OMIM 241520. Disease mechanism: loss of function.

Allele frequency attached by ClinVar (database versions not stated): gnomAD exomes 0.00001 and 0.00005; ExAC 0.00002; gnomAD 0.00003; TOPMed 0.00003; ESP Exome Variant Server 0.00008.
gnomAD v4.1: 29 of 1,614,028 alleles (0.0018%); highest among the groups gnomAD compares: Admixed American, 0.005%; no homozygotes.

Submissions (5):

Women's Health and Genetics/Laboratory Corporation of America, LabCorp
Classification: Uncertain significance. Last evaluated: 2025-05-14. Review status: criteria provided, single submitter. Criteria: LabCorp Variant Classification Summary - May 2015. Collection method: clinical testing. Allele origin: germline.
Comment: Variant summary: DMP1 c.905G>T (p.Arg302Ile) results in a non-conservative amino acid change in the encoded protein sequence. Algorithms developed to predict the effect of missense changes on protein structure and function are either unavailable or do not agree on the potential impact of this missense change. The variant allele was found at a frequency of 4.8e-05 in 251190 control chromosomes. This frequency is not significantly higher than estimated for a pathogenic variant in DMP1 causing Hypophosphatemic Rickets, Autosomal Recessive, 1, allowing no conclusion about variant significance. To our knowledge, no occurrence of c.905G>T in individuals affected with Hypophosphatemic Rickets, Autosomal Recessive, 1 and no experimental evidence demonstrating its impact on protein function have been reported. ClinVar contains an entry for this variant (Variation ID: 906175). Based on the evidence outlined above, the variant was classified as uncertain significance.

Ambry Genetics
Classification: Uncertain significance for Inborn genetic diseases. Last evaluated: 2024-08-07. Review status: criteria provided, single submitter. Criteria: Ambry Variant Classification Scheme 2023. Collection method: clinical testing. Allele origin: germline.

Fulgent Genetics
Classification: Uncertain significance for Hypophosphatemic rickets, autosomal recessive, 1. Last evaluated: 2024-03-29. Review status: criteria provided, single submitter. Criteria: ACMG Guidelines, 2015. Collection method: clinical testing. Allele origin: germline.

Labcorp Genetics (formerly Invitae), Labcorp
Classification: Uncertain significance. Last evaluated: 2022-07-14. Review status: criteria provided, single submitter. Criteria: Invitae Variant Classification Sherloc (09022015). Collection method: clinical testing. Allele origin: germline.
Comment: This sequence change replaces arginine, which is basic and polar, with isoleucine, which is neutral and non-polar, at codon 302 of the DMP1 protein (p.Arg302Ile). This variant is present in population databases (rs376055601, gnomAD 0.06%). This variant has not been reported in the literature in individuals affected with DMP1-related conditions. ClinVar contains an entry for this variant (Variation ID: 906175). Algorithms developed to predict the effect of missense changes on protein structure and function (SIFT, PolyPhen-2, Align-GVGD) all suggest that this variant is likely to be disruptive. In summary, the available evidence is currently insufficient to determine the role of this variant in disease. Therefore, it has been classified as a Variant of Uncertain Significance.

Illumina Laboratory Services, Illumina
Classification: Uncertain significance for Hypophosphatemic rickets, autosomal recessive, 1. Last evaluated: 2018-01-13. Review status: criteria provided, single submitter. Criteria: ICSL Variant Classification Criteria 13 December 2019. Collection method: clinical testing. Allele origin: germline.

NM_004407.4(DMP1):c.905G>T (p.Arg302Ile)

Genes: DMP1 (dentin matrix acidic phosphoprotein 1; plus strand), DMP1-AS1 (DMP1 and DSPP antisense RNA 1; minus strand). Cytogenetic location: 4q22.1.
Variant type: single nucleotide variant.
Coding change: c.905G>T on transcript NM_004407.4 (MANE Select); coding-DNA position 905, G replaced by T.
Protein change: p.Arg302Ile; replaces arginine 302 with isoleucine.
Molecular consequence: missense variant.
Genome position (GRCh38, 1-based): chr4:87,662,683, G>T. VCF-style: chr4-87662683-G-T. GRCh37 (hg19) VCF-style: chr4-88583835-G-T.
Other names: c.857G>T, p.Arg286Ile (NM_001079911.3); short protein forms R302I, R286I.
Identifiers: ClinVar variation 906175 (VCV000906175.8), dbSNP rs376055601, ClinGen allele CA3002110.
Genomic context (GRCh38, chr4:87,662,683, plus strand): 5'-TTGATGACAACAACACAATGGAAGAAGTCAAGAGTGACTCTACAGAAAACAGCAACTCCA[G>T]AGACACTGGCCTCAGCCAACCCAGGAGAGACAGCAAGGGTGACTCTCAAGAAGACAGCAA-3'
Protein context (NP_004398.1, residues 292-312): KSDSTENSNS[Arg302Ile]DTGLSQPRRD